The following is an entry in ClinVar:

NM_000143.4(FH):c.556-2A>G

Gene: FH (fumarate hydratase; minus strand). Cytogenetic location: 1q43.
Variant type: single nucleotide variant.
Coding change: c.556-2A>G on transcript NM_000143.4 (MANE Select); the canonical splice acceptor site of the intron before coding-DNA position 556, A replaced by G.
Molecular consequence: splice acceptor variant.
Genome position (GRCh38, 1-based): chr1:241,508,787, T>C on the plus strand (A>G on the coding strand, the complement: FH is on the minus strand). VCF-style: chr1-241508787-T-C. GRCh37 (hg19) VCF-style: chr1-241672087-T-C.
Identifiers: ClinVar variation 582460 (VCV000582460.10), dbSNP rs750273092, ClinGen allele CA345439514.

ClinVar aggregate classification (germline): Likely pathogenic. Review status: criteria provided, multiple submitters, no conflicts (2 of 4 stars). 2 submissions from 2 submitters: Likely pathogenic (2). Last evaluated 2025-09-17.

Conditions:
Hereditary cancer-predisposing syndrome. Also called: Neoplastic Syndromes, Hereditary; Hereditary Cancer Syndrome; Tumor predisposition; Hereditary neoplastic syndrome. Identifiers: Orphanet 140162, MedGen C0027672, MeSH D009386, MONDO:0015356.

Submissions (2):

Ambry Genetics
Classification: Likely pathogenic for Hereditary cancer-predisposing syndrome. Last evaluated: 2025-09-17. Review status: criteria provided, single submitter. Criteria: Ambry Variant Classification Scheme 2023. Collection method: clinical testing. Allele origin: germline.
Comment: The c.556-2A>G intronic variant results from an A to G substitution two nucleotides upstream from coding exon 5 in the FH gene. This nucleotide position is highly conserved in available vertebrate species. In silico splice site analysis predicts that this alteration will weaken the native splice acceptor site. RNA studies have demonstrated that this alteration results in abnormal splicing in the set of samples tested (Ambry internal data). This variant is considered to be rare based on population cohorts in the Genome Aggregation Database (gnomAD). Alterations that disrupt the canonical splice site are expected to cause aberrant splicing, resulting in an abnormal protein or a transcript that is subject to nonsense-mediated mRNA decay. As such, this alteration is classified as likely pathogenic.

Labcorp Genetics (formerly Invitae), Labcorp
Classification: Likely pathogenic. Last evaluated: 2019-11-23. Review status: criteria provided, single submitter. Criteria: Invitae Variant Classification Sherloc (09022015). Collection method: clinical testing. Allele origin: germline.
Comment: In summary, the currently available evidence indicates that the variant is pathogenic, but additional data are needed to prove that conclusively. Therefore, this variant has been classified as Likely Pathogenic. Donor and acceptor splice site variants typically lead to a loss of protein function (PMID: 16199547), and loss-of-function variants in FH are known to be pathogenic (PMID: 11865300, 21398687). Algorithms developed to predict the effect of sequence changes on RNA splicing suggest that this variant may disrupt the consensus splice site, but this prediction has not been confirmed by published transcriptional studies. This variant has not been reported in the literature in individuals with FH-related disease. ClinVar contains an entry for this variant (Variation ID: 582460). This variant is not present in population databases (ExAC no frequency). This sequence change affects an acceptor splice site in intron 4 of the FH gene. It is expected to disrupt RNA splicing and likely results in an absent or disrupted protein product.

Literature cited by the submitters: PubMed 16199547 (cited by Labcorp Genetics (formerly Invitae), Labcorp); PubMed 11865300 (cited by Labcorp Genetics (formerly Invitae), Labcorp); PubMed 21398687 (cited by Labcorp Genetics (formerly Invitae), Labcorp).